The following is an entry in ClinVar:

ClinVar aggregate classification (germline): Benign. Review status: criteria provided, multiple submitters, no conflicts (2 of 4 stars). 3 submissions from 3 submitters: Benign (2). 1 of the submissions does not count toward it. Last evaluated 2025-12-15.

Conditions:
EP300-related disorder. Also called: EP300-related disorders; EP300-related condition.
Rubinstein-Taybi syndrome due to EP300 haploinsufficiency. Also called: RUBINSTEIN-TAYBI SYNDROME 2; EP300-Related Rubinstein-Taybi Syndrome. Identifiers: Orphanet 353284, Orphanet 783, MedGen C3150941, MONDO:0013364, OMIM 613684.

Allele frequency attached by ClinVar (database versions not stated): gnomAD exomes 0.00003 and 0.00014; ExAC 0.00017; ESP Exome Variant Server 0.00054; TOPMed 0.00063.
gnomAD v4.1: 135 of 1,614,036 alleles (0.0084%); highest among the groups gnomAD compares: African/African-American, 0.15%; no homozygotes.

Submissions (3):

Labcorp Genetics (formerly Invitae), Labcorp
Classification: Benign for Rubinstein-Taybi syndrome due to EP300 haploinsufficiency. Last evaluated: 2025-12-15. Review status: criteria provided, single submitter. Criteria: Invitae Variant Classification Sherloc (09022015). Collection method: clinical testing. Allele origin: germline.

GeneDx
Classification: Benign. Last evaluated: 2019-04-15. Review status: criteria provided, single submitter. Criteria: GeneDx Variant Classification Process June 2021. Collection method: clinical testing. Allele origin: germline. Affected: yes.

PreventionGenetics, part of Exact Sciences
Classification: Likely benign for EP300-related condition. Last evaluated: 2021-05-26. Review status: no assertion criteria provided. Collection method: clinical testing. Allele origin: germline. Not counted in ClinVar's aggregate classification.
Comment: This variant is classified as likely benign based on ACMG/AMP sequence variant interpretation guidelines (Richards et al. 2015 PMID: 25741868, with internal and published modifications).

NM_001429.4(EP300):c.3537C>A (p.Gly1179=)

Gene: EP300 (EP300 lysine acetyltransferase; plus strand). Cytogenetic location: 22q13.2.
Variant type: single nucleotide variant.
Coding change: c.3537C>A on transcript NM_001429.4 (MANE Select); coding-DNA position 3537, C replaced by A.
Protein change: p.Gly1179=; no amino-acid change (glycine 1179 retained).
Molecular consequence: synonymous variant.
Genome position (GRCh38, 1-based): chr22:41,158,447, C>A. VCF-style: chr22-41158447-C-A. GRCh37 (hg19) VCF-style: chr22-41554451-C-A.
Other names: c.3459C>A, p.Gly1153= (NM_001362843.2).
Identifiers: ClinVar variation 783162 (VCV000783162.10), dbSNP rs148939960, ClinGen allele CA10253144.
Genomic context (GRCh38, chr22:41,158,447, plus strand): 5'-TTTTAACAAATGGTTTCTTTTGCAGTTGGAGTTCTCTCCACAGACACTGTGTTGCTACGG[C>A]AAACAGTTGTGCACAATACCTCGTGATGCCACTTATTACAGTTACCAGAACAGGTAAGCT-3'
Protein context (NP_001420.2, residues 1169-1189): EFSPQTLCCY[Gly1179=]KQLCTIPRDA